The following is an entry in ClinVar:

NM_020987.5(ANK3):c.12596-496T>G

Gene: ANK3 (ankyrin 3; minus strand). Cytogenetic location: 10q21.2.
Variant type: single nucleotide variant.
Coding change: c.12596-496T>G on transcript NM_020987.5 (MANE Select); 496 bases into the intron before coding-DNA position 12596, T replaced by G.
Molecular consequence: intron variant. On other transcripts: missense variant (4).
Genome position (GRCh38, 1-based): chr10:60,059,926, A>C on the plus strand (T>G on the coding strand, the complement: ANK3 is on the minus strand). VCF-style: chr10-60059926-A-C. GRCh37 (hg19) VCF-style: chr10-61819684-A-C.
Other names: c.2239T>G, p.Tyr747Asp (NM_001149.4); c.4819T>G, p.Tyr1607Asp (NM_001204403.2); c.4840T>G, p.Tyr1614Asp (NM_001204404.2); c.4837T>G, p.Tyr1613Asp (NM_001320874.2); short protein forms Y1607D, Y1613D, Y1614D, Y747D.
Identifiers: ClinVar variation 3041265 (VCV003041265.2), dbSNP rs555831790, ClinGen allele CA5510824.

ClinVar aggregate classification (germline): Likely benign (0 of 4 stars; one submission).

Conditions:
ANK3-related disorder. Also called: ANK3-related condition.

Allele frequency attached by ClinVar (database versions not stated): TOPMed 0.00003; gnomAD 0.00023; gnomAD exomes 0.00033; ExAC 0.00073; 1000 Genomes Project 0.00100; 1000 Genomes Project 30x 0.00141.
gnomAD v4.1: 521 of 1,614,134 alleles (0.032%); highest among the groups gnomAD compares: South Asian, 0.55%; 8 homozygotes.

Submission:

PreventionGenetics, part of Exact Sciences
Classification: Likely benign for ANK3-related condition. Last evaluated: 2019-05-13. Review status: no assertion criteria provided. Collection method: clinical testing. Allele origin: germline.
Comment: This variant is classified as likely benign based on ACMG/AMP sequence variant interpretation guidelines (Richards et al. 2015 PMID: 25741868, with internal and published modifications).